The following is an entry in ClinVar:

ClinVar aggregate classification (germline): Likely pathogenic (1 of 4 stars; one submission).

Conditions:
Hyperammonemia, type III (NAGSD). Also called: Hyperammonemia due to N-acetylglutamate synthase deficiency. Identifiers: Orphanet 927, MedGen C0268543, MONDO:0009377, OMIM 237310.

Submission:

Natera, Inc.
Classification: Likely pathogenic for Hyperammonemia type III. Last evaluated: 2025-08-06. Review status: criteria provided, single submitter. Criteria: Natera Variant Classification Schema (03/2026). Collection method: clinical testing. Allele origin: germline.
Comment: The c.199del variant in NAGS is a frameshift variant predicted to shift the reading frame beginning at codon 67 and leads to a stop codon 44 codons downstream. This variant is expected to result in nonsense mediated decay, truncation, or a dysfunctional protein product. This variant is rare in the general population with a frequency below the threshold expected for the associated phenotype(s). Given the available evidence, this variant is classified as Likely Pathogenic.

NM_153006.3(NAGS):c.199del (p.Asp67fs)

Gene: NAGS (N-acetylglutamate synthase; plus strand). Cytogenetic location: 17q21.31.
Variant type: Deletion.
Coding change: c.199del on transcript NM_153006.3 (MANE Select); coding-DNA position 199, one base deleted (G; older notation c.199delG).
Protein change: p.Asp67fs; shifts the reading frame from aspartic acid 67.
Molecular consequence: frameshift variant.
Genome position (GRCh38, 1-based): chr17:44,004,862, G deleted; the last of 2 consecutive G bases (chr17:44,004,861-44,004,862); deleting either gives the same sequence. VCF-style (leftmost placement, unchanged base first): chr17-44004860-CG-C. GRCh37 (hg19) VCF-style: chr17-42082228-CG-C.
Other names: short protein forms D67fs.
Identifiers: ClinVar variation 4816903 (VCV004816903.1).